The following is an entry in ClinVar:

ClinVar aggregate classification (germline): Benign/Likely benign. Review status: criteria provided, multiple submitters, no conflicts (2 of 4 stars). 15 submissions from 15 submitters: Benign (11); Likely benign (3). 1 of the submissions does not count toward it. Last evaluated 2026-02-04.

Conditions:
Cardiovascular phenotype. Identifiers: MedGen CN230736.
Cardiomyopathy (CMYO). Also called: Cardiomyopathies. Identifiers: Orphanet 167848, MedGen C0878544, MONDO:0004994, HP:0001638. Inheritance: Various modes of inheritance.
Becker muscular dystrophy (BMD). Also called: MUSCULAR DYSTROPHY, PSEUDOHYPERTROPHIC PROGRESSIVE, BECKER TYPE; Becker Muscular Dystrophy (BMD). Identifiers: Orphanet 98895, MedGen C0917713, MONDO:0010311, OMIM 300376.
Duchenne muscular dystrophy (DMD). Also called: Duchenne Muscular Dystrophy (DMD); MUSCULAR DYSTROPHY, PSEUDOHYPERTROPHIC PROGRESSIVE, DUCHENNE TYPE. Identifiers: Orphanet 98896, MedGen C0013264, MONDO:0010679, OMIM 310200.
Dystrophin deficiency.
Dilated cardiomyopathy 3B (CMD3B). Also called: CMD3B: DMD-Related Dilated Cardiomyopathy; CARDIOMYOPATHY, DILATED, X-LINKED; DMD-Associated Dilated Cardiomyopathy. Identifiers: Orphanet 154, MedGen C3668940, MONDO:0010542, OMIM 302045.
Primary dilated cardiomyopathy (DCM). Also called: Dilated Cardiomyopathy. Identifiers: Orphanet 217604, MedGen C0007193, MeSH D002311, MONDO:0005021, HP:0001644. Inheritance: Various modes of inheritance.

Allele frequency attached by ClinVar (database versions not stated): ESP Exome Variant Server 0.00057; TOPMed 0.00162; gnomAD 0.00356 and 0.00510; gnomAD exomes 0.01164; ExAC 0.01465; 1000 Genomes Project 30x 0.01582; 1000 Genomes Project 0.01695.
gnomAD v4.1: 7,384 of 1,206,084 alleles (0.61%); highest among the groups gnomAD compares: East Asian, 6.6%; 147 homozygotes.

Submissions (15):

Labcorp Genetics (formerly Invitae), Labcorp
Classification: Benign for Duchenne muscular dystrophy. Last evaluated: 2026-02-04. Review status: criteria provided, single submitter. Criteria: Invitae Variant Classification Sherloc (09022015). Collection method: clinical testing. Allele origin: germline.

Molecular Diagnostic Laboratory for Inherited Cardiovascular Disease, Montreal Heart Institute
Classification: Benign. Last evaluated: 2025-04-09. Review status: criteria provided, single submitter. Criteria: ACMG Guidelines, 2015. Collection method: clinical testing. Allele origin: germline. Affected: no.

ARUP Laboratories, Molecular Genetics and Genomics, ARUP Laboratories
Classification: Benign. Last evaluated: 2025-03-03. Review status: criteria provided, single submitter. Criteria: ARUP Molecular Germline Variant Investigation Process 2024. Collection method: clinical testing. Allele origin: germline.

Blueprint Genetics
Classification: Benign. Last evaluated: 2024-11-28. Review status: criteria provided, single submitter. Criteria: ACMG Guidelines, 2015. Collection method: clinical testing. Allele origin: germline.

Women's Health and Genetics/Laboratory Corporation of America, LabCorp
Classification: Benign. Last evaluated: 2021-04-07. Review status: criteria provided, single submitter. Criteria: LabCorp Variant Classification Summary - May 2015. Collection method: clinical testing. Allele origin: germline.
Comment: Variant summary: DMD c.3406A>T (p.Thr1136Ser) results in a conservative amino acid change located in the Central rod domain (Repeat 7) of the encoded protein sequence. Five of five in-silico tools predict a benign effect of the variant on protein function. The variant allele was found at a frequency of 0.012 in 175573 control chromosomes, predominantly at a frequency of 0.05 within the South Asian subpopulation in the gnomAD database, including 18 homozygotes. The observed variant frequency within South Asian control individuals in the gnomAD database is approximately 4533 fold of the estimated maximal expected allele frequency for a pathogenic variant in DMD causing Dystrophinopathies phenotype (1.1e-05), strongly suggesting that the variant is a benign polymorphism found primarily in populations of South Asian origin. To our knowledge, no experimental evidence demonstrating an impact on protein function has been reported. Six ClinVar submitters (evaluation after 2014) cite the variant as benign (n=4) and likely benign (n=2). Based on the evidence outlined above, the variant was classified as benign.

Athena Diagnostics
Classification: Benign. Last evaluated: 2019-04-10. Review status: criteria provided, single submitter. Criteria: Athena Diagnostics Criteria. Collection method: clinical testing. Allele origin: germline.

Mayo Clinic Laboratories, Mayo Clinic
Classification: Benign. Last evaluated: 2018-02-20. Review status: criteria provided, single submitter. Criteria: ACMG Guidelines, 2015. Collection method: clinical testing. Allele origin: germline. Observed: 6 variant alleles.

Illumina Laboratory Services, Illumina
Classification: Likely benign for Dilated cardiomyopathy 3B. Last evaluated: 2017-04-27. Review status: criteria provided, single submitter. Criteria: ICSL Variant Classification Criteria 13 December 2019. Collection method: clinical testing. Allele origin: germline.
Comment: This variant was observed as part of a predisposition screen in an ostensibly healthy population. A literature search was performed for the gene, cDNA change, and amino acid change (where applicable). Publications were found based on this search. The evidence from the literature, in combination with allele frequency data from public databases where available, was sufficient to determine this variant is unlikely to cause disease. Therefore, this variant is classified as likely benign.

Ambry Genetics
Classification: Benign for Cardiovascular phenotype. Last evaluated: 2016-06-24. Review status: criteria provided, single submitter. Criteria: Ambry Variant Classification Scheme 2023. Collection method: clinical testing. Allele origin: germline.

Laboratory for Molecular Medicine, Mass General Brigham Personalized Medicine
Classification: Benign. Last evaluated: 2015-06-04. Review status: criteria provided, single submitter. Criteria: LMM Criteria. Collection method: clinical testing. Allele origin: germline. Observed: 3 variant alleles.
Comment: p.Thr1136Ser in exon 25 of DMD: This variant is not expected to have clinical si gnificance because it has been identified in 7% (451/6490) of South Asian chromo somes by the Exome Aggregation Consortium (ExAC; dbSNP rs3827462).

CSER _CC_NCGL, University of Washington
Classification: Likely benign for Dilated cardiomyopathy. Last evaluated: 2015-03-11. Review status: criteria provided, single submitter. Criteria: Amendola et al. (Genome Res. 2015). Collection method: research. Allele origin: germline. Inheritance: X-linked inheritance. Study: CSER - NEXT Medicine variant annotation.

GeneDx
Classification: Benign. Last evaluated: 2014-04-07. Review status: criteria provided, single submitter. Criteria: GeneDx Variant Classification (06012015). Collection method: clinical testing. Allele origin: germline. Affected: yes.
Comment: This variant is considered likely benign or benign based on one or more of the following criteria: it is a conservative change, it occurs at a poorly conserved position in the protein, it is predicted to be benign by multiple in silico algorithms, and/or has population frequency not consistent with disease.

Eurofins Ntd Llc (ga)
Classification: Benign. Last evaluated: 2013-07-03. Review status: criteria provided, single submitter. Criteria: EGL Classification Definitions 2015. Collection method: clinical testing. Allele origin: germline. Observed: 4 variant alleles, 3 heterozygotes, 1 hemizygote.

Breakthrough Genomics
Classification: Likely benign. Review status: criteria provided, single submitter. Criteria: ACMG Guidelines, 2015. Collection method: not provided. Allele origin: germline. Inheritance: X-linked inheritance. Affected: yes.

Natera, Inc.
Classification: Benign for Becker muscular dystrophy; Cardiomyopathy; Duchenne muscular dystrophy; Dystrophin deficiency. Last evaluated: 2017-04-21. Review status: no assertion criteria provided. Collection method: clinical testing. Allele origin: germline. Not counted in ClinVar's aggregate classification.

Literature cited by the submitters: PubMed 19409785 (cited by Athena Diagnostics and Illumina Laboratory Services, Illumina); PubMed 19937601 (cited by Athena Diagnostics and Illumina Laboratory Services, Illumina); PubMed 21969337 (cited by Athena Diagnostics).

NM_004006.3(DMD):c.3406A>T (p.Thr1136Ser)

Gene: DMD (dystrophin; minus strand). Cytogenetic location: Xp21.1.
Variant type: single nucleotide variant.
Coding change: c.3406A>T on transcript NM_004006.3 (MANE Select); coding-DNA position 3406, A replaced by T.
Protein change: p.Thr1136Ser; replaces threonine 1136 with serine.
Molecular consequence: missense variant.
Genome position (GRCh38, 1-based): chrX:32,463,465, T>A on the plus strand (A>T on the coding strand, the complement: DMD is on the minus strand). VCF-style: chrX-32463465-T-A. GRCh37 (hg19) VCF-style: chrX-32481582-T-A.
Other names: p.T1136S:ACT>TCT; c.3394A>T, p.Thr1132Ser (NM_004009.3); c.3037A>T, p.Thr1013Ser (NM_004010.3); c.3382A>T, p.Thr1128Ser (NM_000109.4); short protein forms T1136S, T1013S, T1128S, T1132S.
Identifiers: ClinVar variation 94587 (VCV000094587.38), dbSNP rs3827462, ClinGen allele CA285554.